The following is an entry in ClinVar:

ClinVar aggregate classification (germline): Uncertain significance (1 of 4 stars; one submission).

Submission:

GeneDx
Classification: Uncertain significance. Last evaluated: 2022-08-04. Review status: criteria provided, single submitter. Criteria: GeneDx Variant Classification Process June 2021. Collection method: clinical testing. Allele origin: germline. Affected: yes.
Comment: Not observed at significant frequency in large population cohorts (gnomAD); In silico analysis supports that this missense variant has a deleterious effect on protein structure/function; Has not been previously published as pathogenic or benign to our knowledge

NM_001127392.3(MYRF):c.1509G>A (p.Met503Ile)

Gene: MYRF (myelin regulatory factor; plus strand). Cytogenetic location: 11q12.2.
Variant type: single nucleotide variant.
Coding change: c.1509G>A on transcript NM_001127392.3 (MANE Select); coding-DNA position 1509, G replaced by A.
Protein change: p.Met503Ile; replaces methionine 503 with isoleucine.
Molecular consequence: missense variant.
Genome position (GRCh38, 1-based): chr11:61,776,796, G>A. VCF-style: chr11-61776796-G-A. GRCh37 (hg19) VCF-style: chr11-61544268-G-A.
Other names: c.1482G>A, p.Met494Ile (NM_013279.4); short protein forms M494I, M503I.
Identifiers: ClinVar variation 2428849 (VCV002428849.3), dbSNP rs2540953552, ClinGen allele CA380855137.